The following is an entry in ClinVar:

ClinVar aggregate classification (germline): Uncertain significance (1 of 4 stars; one submission).

Submission:

Labcorp Genetics (formerly Invitae), Labcorp
Classification: Uncertain significance. Last evaluated: 2024-07-02. Review status: criteria provided, single submitter. Criteria: Invitae Variant Classification Sherloc (09022015). Collection method: clinical testing. Allele origin: germline.
Comment: This sequence change replaces arginine, which is basic and polar, with glycine, which is neutral and non-polar, at codon 659 of the NR3C2 protein (p.Arg659Gly). This variant is not present in population databases (gnomAD no frequency). This missense change has been observed in individual(s) with pseudohypoaldosternism type 1 (Invitae). Advanced modeling of protein sequence and biophysical properties (such as structural, functional, and spatial information, amino acid conservation, physicochemical variation, residue mobility, and thermodynamic stability) performed at Invitae indicates that this missense variant is expected to disrupt NR3C2 protein function with a positive predictive value of 80%. This variant disrupts the p.Arg659 amino acid residue in NR3C2. Other variant(s) that disrupt this residue have been observed in individuals with NR3C2-related conditions (PMID: 16972228; Invitae), which suggests that this may be a clinically significant amino acid residue. In summary, the available evidence is currently insufficient to determine the role of this variant in disease. Therefore, it has been classified as a Variant of Uncertain Significance.

Literature cited by the submitters: PubMed 16972228.

NM_000901.5(NR3C2):c.1975A>G (p.Arg659Gly)

Gene: NR3C2 (nuclear receptor subfamily 3 group C member 2; minus strand). Cytogenetic location: 4q31.23.
Variant type: single nucleotide variant.
Coding change: c.1975A>G on transcript NM_000901.5 (MANE Select); coding-DNA position 1975, A replaced by G.
Protein change: p.Arg659Gly; replaces arginine 659 with glycine.
Molecular consequence: missense variant. On other transcripts: non-coding transcript variant (1).
Genome position (GRCh38, 1-based): chr4:148,194,785, T>C on the plus strand (A>G on the coding strand, the complement: NR3C2 is on the minus strand). VCF-style: chr4-148194785-T-C. GRCh37 (hg19) VCF-style: chr4-149115936-T-C.
Other names: c.1975A>G, p.Arg659Gly (NM_001166104.2, NM_001354819.1); short protein forms R659G.
Identifiers: ClinVar variation 3653242 (VCV003653242.2).